The following is an entry in ClinVar:

ClinVar aggregate classification (germline): Uncertain significance. Review status: criteria provided, multiple submitters, no conflicts (2 of 4 stars). 3 submissions from 3 submitters: Uncertain significance (3). Last evaluated 2025-09-17.

Conditions:
Inborn genetic diseases. Identifiers: MedGen C0950123, MeSH D030342.

Allele frequency attached by ClinVar (database versions not stated): gnomAD exomes below 0.00001; TOPMed below 0.00001; ExAC 0.00001.
gnomAD v4.1: 1 of 1,614,250 alleles (0.000062%); highest among the groups gnomAD compares: Admixed American, 0.0017%; no homozygotes.

Submissions (3):

Labcorp Genetics (formerly Invitae), Labcorp
Classification: Uncertain significance. Last evaluated: 2025-09-17. Review status: criteria provided, single submitter. Criteria: Invitae Variant Classification Sherloc (09022015). Collection method: clinical testing. Allele origin: germline.
Comment: This sequence change replaces glutamic acid, which is acidic and polar, with alanine, which is neutral and non-polar, at codon 1661 of the FLNB protein (p.Glu1661Ala). This variant is present in population databases (rs754555151, gnomAD 0.0009%). This variant has not been reported in the literature in individuals affected with FLNB-related conditions. ClinVar contains an entry for this variant (Variation ID: 2330664). Invitae Evidence Modeling of protein sequence and biophysical properties (such as structural, functional, and spatial information, amino acid conservation, physicochemical variation, residue mobility, and thermodynamic stability) indicates that this missense variant is not expected to disrupt FLNB protein function with a negative predictive value of 95%. In summary, the available evidence is currently insufficient to determine the role of this variant in disease. Therefore, it has been classified as a Variant of Uncertain Significance.

Ambry Genetics
Classification: Uncertain significance for Inborn genetic diseases. Last evaluated: 2022-12-01. Review status: criteria provided, single submitter. Criteria: Ambry Variant Classification Scheme 2023. Collection method: clinical testing. Allele origin: germline.

Blueprint Genetics
Classification: Uncertain significance. Last evaluated: 2018-06-21. Review status: criteria provided, single submitter. Criteria: ACMG Guidelines, 2015. Collection method: clinical testing. Allele origin: germline.

NM_001457.4(FLNB):c.4982A>C (p.Glu1661Ala)

Gene: FLNB (filamin B; plus strand). Cytogenetic location: 3p14.3.
Variant type: single nucleotide variant.
Coding change: c.4982A>C on transcript NM_001457.4 (MANE Select); coding-DNA position 4982, A replaced by C.
Protein change: p.Glu1661Ala; replaces glutamic acid 1661 with alanine.
Molecular consequence: missense variant.
Genome position (GRCh38, 1-based): chr3:58,138,402, A>C. VCF-style: chr3-58138402-A-C. GRCh37 (hg19) VCF-style: chr3-58124129-A-C.
Other names: c.5075A>C, p.Glu1692Ala (NM_001164317.2); c.4982A>C, p.Glu1661Ala (NM_001164318.2, NM_001164319.2); short protein forms E1661A, E1692A.
Identifiers: ClinVar variation 2330664 (VCV002330664.5), dbSNP rs754555151, ClinGen allele CA2468923.
Genomic context (GRCh38, chr3:58,138,402, plus strand): 5'-AGACTGCCGGGAAGGGTAAAGTGACCTGCACGGTTCTGACCCCAGATGGCACTGAGGCCG[A>C]GGCCGATGTCATTGAGAATGAAGATGGAACCTATGACATCTTCTACACAGCTGCCAAGCC-3'
Protein context (NP_001448.2, residues 1651-1671): TVLTPDGTEA[Glu1661Ala]ADVIENEDGT